The following is an entry in ClinVar:

NM_004960.4(FUS):c.1234A>G (p.Ser412Gly)

Gene: FUS (FUS RNA binding protein; plus strand). Cytogenetic location: 16p11.2.
Variant type: single nucleotide variant.
Coding change: c.1234A>G on transcript NM_004960.4 (MANE Select); coding-DNA position 1234, A replaced by G.
Protein change: p.Ser412Gly; replaces serine 412 with glycine.
Molecular consequence: missense variant. On other transcripts: non-coding transcript variant (1).
Genome position (GRCh38, 1-based): chr16:31,190,340, A>G. VCF-style: chr16-31190340-A-G. GRCh37 (hg19) VCF-style: chr16-31201661-A-G.
Other names: c.1231A>G, p.Ser411Gly (NM_001170634.1); c.1222A>G, p.Ser408Gly (NM_001170937.1); short protein forms S408G, S412G, S411G.
Identifiers: ClinVar variation 1951144 (VCV001951144.5), dbSNP rs771912107, ClinGen allele CA8023982.

ClinVar aggregate classification (germline): Uncertain significance (1 of 4 stars; one submission).

Conditions:
Tremor, hereditary essential, 4 (ETM4). Identifiers: MedGen C3539195, MONDO:0013888, OMIM 614782.
Amyotrophic lateral sclerosis type 6. Also called: Amyotrophic lateral sclerosis 6, with or without frontotemporal dementia; FUS-Related Amyotrophic Laterial Sclerosis; AMYOTROPHIC LATERAL SCLEROSIS 6 WITHOUT FRONTOTEMPORAL DEMENTIA. Identifiers: Orphanet 275872, Orphanet 803, MedGen C2931786, MONDO:0011951, OMIM 608030.

Allele frequency attached by ClinVar (database versions not stated): gnomAD exomes below 0.00001; ExAC 0.00001.
gnomAD v4.1: 2 of 1,614,062 alleles (0.00012%); highest among the groups gnomAD compares: Non-Finnish European, 0.000085%; no homozygotes.

Submission:

Labcorp Genetics (formerly Invitae), Labcorp
Classification: Uncertain significance for Tremor, hereditary essential, 4; Amyotrophic lateral sclerosis type 6. Last evaluated: 2022-07-06. Review status: criteria provided, single submitter. Criteria: Invitae Variant Classification Sherloc (09022015). Collection method: clinical testing. Allele origin: germline.
Comment: In summary, the available evidence is currently insufficient to determine the role of this variant in disease. Therefore, it has been classified as a Variant of Uncertain Significance. Algorithms developed to predict the effect of missense changes on protein structure and function are either unavailable or do not agree on the potential impact of this missense change (SIFT: "Tolerated"; PolyPhen-2: "Possibly Damaging"; Align-GVGD: "Class C0"). This variant has not been reported in the literature in individuals affected with FUS-related conditions. This variant is present in population databases (rs771912107, gnomAD 0.0009%). This sequence change replaces serine, which is neutral and polar, with glycine, which is neutral and non-polar, at codon 412 of the FUS protein (p.Ser412Gly).